The following is an entry in ClinVar:

NM_001371986.1(UNC80):c.1086G>T (p.Met362Ile)

Gene: UNC80 (unc-80 subunit of NALCN channel complex; plus strand). Cytogenetic location: 2q34.
Variant type: single nucleotide variant.
Coding change: c.1086G>T on transcript NM_001371986.1 (MANE Select); coding-DNA position 1086, G replaced by T.
Protein change: p.Met362Ile; replaces methionine 362 with isoleucine.
Molecular consequence: missense variant.
Genome position (GRCh38, 1-based): chr2:209,813,727, G>T. VCF-style: chr2-209813727-G-T. GRCh37 (hg19) VCF-style: chr2-210678451-G-T.
Other names: c.1086G>T, p.Met362Ile (NM_032504.2, NM_182587.4); short protein forms M362I.
Identifiers: ClinVar variation 2099684 (VCV002099684.4), dbSNP rs2079528733, ClinGen allele CA350133242.
Genomic context (GRCh38, chr2:209,813,727, plus strand): 5'-TTGGTCTGAGGAAGGCACTCAGTGGTCTCTGATGTACTATCTACAAAGGCTGCGACACAT[G>T]TTGGAAGAGAAGCCAGAAAAGCCTCCGGAGCCAGATATTCCTCTCCTGCCCAGACCCAGG-3'
Protein context (NP_001358915.1, residues 352-372): LMYYLQRLRH[Met362Ile]LEEKPEKPPE

ClinVar aggregate classification (germline): Uncertain significance (1 of 4 stars; one submission).

Submission:

Labcorp Genetics (formerly Invitae), Labcorp
Classification: Uncertain significance. Last evaluated: 2022-02-19. Review status: criteria provided, single submitter. Criteria: Invitae Variant Classification Sherloc (09022015). Collection method: clinical testing. Allele origin: germline.
Comment: In summary, the available evidence is currently insufficient to determine the role of this variant in disease. Therefore, it has been classified as a Variant of Uncertain Significance. Algorithms developed to predict the effect of missense changes on protein structure and function are either unavailable or do not agree on the potential impact of this missense change (SIFT: "Not Available"; PolyPhen-2: "Benign"; Align-GVGD: "Not Available"). This variant has not been reported in the literature in individuals affected with UNC80-related conditions. This variant is not present in population databases (gnomAD no frequency). This sequence change replaces methionine, which is neutral and non-polar, with isoleucine, which is neutral and non-polar, at codon 362 of the UNC80 protein (p.Met362Ile).